The following is an entry in ClinVar:

ClinVar aggregate classification (germline): Uncertain significance (1 of 4 stars; one submission).

Conditions:
Spermatogenic failure 74 (SPGF74). Identifiers: MedGen C5677010, MONDO:0030972, OMIM 619937.
Premature ovarian failure 13 (POF13). Identifiers: MedGen C4479510, MONDO:0044317, OMIM 617442.

gnomAD v4.1: 3 of 1,613,906 alleles (0.00019%); highest among the groups gnomAD compares: Non-Finnish European, 0.00017%; no homozygotes.

Submission:

Juno Genomics, Hangzhou Juno Genomics, Inc
Classification: Uncertain significance for Premature ovarian failure 13; Spermatogenic failure 74. Review status: criteria provided, single submitter. Criteria: ACMG Guidelines, 2015. Collection method: clinical testing. Allele origin: germline.
Comment: Absent from controls (or at extremely low frequency if recessive) in Genome Aggregation Database.;Multiple lines of computational evidence suggest no impact on gene or gene product.

NM_172166.4(MSH5):c.1195A>G (p.Ile399Val)

Genes: MSH5 (mutS homolog 5; plus strand), MSH5-SAPCD1 (MSH5-SAPCD1 readthrough (NMD candidate); plus strand). Cytogenetic location: 6p21.33.
Variant type: single nucleotide variant.
Coding change: c.1195A>G on transcript NM_172166.4 (MANE Select); coding-DNA position 1195, A replaced by G.
Protein change: p.Ile399Val; replaces isoleucine 399 with valine.
Molecular consequence: missense variant. On other transcripts: non-coding transcript variant (1).
Genome position (GRCh38, 1-based): chr6:31,758,599, A>G. VCF-style: chr6-31758599-A-G. GRCh37 (hg19) VCF-style: chr6-31726376-A-G.
Other names: c.1195A>G, p.Ile399Val (NM_002441.5, NM_172165.4); c.1246A>G, p.Ile416Val (NM_025259.6); short protein forms I399V, I416V.
Identifiers: ClinVar variation 5007017 (VCV005007017.2).